The following is an entry in ClinVar:

NM_001009944.3(PKD1):c.3620G>A (p.Arg1207His)

Gene: PKD1 (polycystin 1, transient receptor potential channel interacting; minus strand). Cytogenetic location: 16p13.3.
Variant type: single nucleotide variant.
Coding change: c.3620G>A on transcript NM_001009944.3 (MANE Select); coding-DNA position 3620, G replaced by A.
Protein change: p.Arg1207His; replaces arginine 1207 with histidine.
Molecular consequence: missense variant.
Genome position (GRCh38, 1-based): chr16:2,111,547, C>T on the plus strand (G>A on the coding strand, the complement: PKD1 is on the minus strand). VCF-style: chr16-2111547-C-T. GRCh37 (hg19) VCF-style: chr16-2161548-C-T.
Other names: c.3620G>A, p.Arg1207His (NM_000296.4); short protein forms R1207H.
Identifiers: ClinVar variation 2541594 (VCV002541594.4), dbSNP rs771645362, ClinGen allele CA7832700.

ClinVar aggregate classification (germline): Conflicting classifications of pathogenicity. Review status: criteria provided, conflicting classifications (1 of 4 stars). 3 submissions from 3 submitters: Uncertain significance (2); Likely benign (1). Last evaluated 2024-06-03.

Conditions:
Inborn genetic diseases. Identifiers: MedGen C0950123, MeSH D030342.
Polycystic kidney disease, adult type (PKD1). Also called: Polycystic Kidney Disease 1, Autosomal Dominant; Polycystic kidney disease 1; Polycystic kidney disease 1, severe; Polycystic Kidney, Autosomal Dominant; POLYCYSTIC KIDNEY DISEASE, ADULT, TYPE I; POLYCYSTIC KIDNEY DISEASE 1 WITH OR WITHOUT POLYCYSTIC LIVER DISEASE. Identifiers: MedGen C3149841, MONDO:0008263, OMIM 173900.

Allele frequency attached by ClinVar (database versions not stated): gnomAD exomes 0.00001; gnomAD 0.00003; ExAC 0.00004; TOPMed 0.00004.

Submissions (3):

GeneDx
Classification: Uncertain significance. Last evaluated: 2024-06-03. Review status: criteria provided, single submitter. Criteria: GeneDx Variant Classification Process June 2021. Collection method: clinical testing. Allele origin: germline. Affected: yes.
Comment: In silico analysis indicates that this missense variant does not alter protein structure/function; Has not been previously published as pathogenic or benign to our knowledge

Fulgent Genetics
Classification: Uncertain significance for Polycystic kidney disease, adult type. Last evaluated: 2024-04-29. Review status: criteria provided, single submitter. Criteria: ACMG Guidelines, 2015. Collection method: clinical testing. Allele origin: germline.

Ambry Genetics
Classification: Likely benign for Inborn genetic diseases. Last evaluated: 2023-04-28. Review status: criteria provided, single submitter. Criteria: Ambry Variant Classification Scheme 2023. Collection method: clinical testing. Allele origin: germline.